The following is an entry in ClinVar:

ClinVar aggregate classification (germline): Uncertain significance. Review status: criteria provided, multiple submitters, no conflicts (2 of 4 stars). 2 submissions from 2 submitters: Uncertain significance (2). Last evaluated 2025-12-09.

Conditions:
Deafness-lymphedema-leukemia syndrome. Also called: Lymphedema, primary, with myelodysplasia; Emberger syndrome. Identifiers: Orphanet 3226, MedGen C3279664, MONDO:0013540, OMIM 614038.
Monocytopenia with susceptibility to infections. Also called: Dendritic cell, monocyte, B lymphocyte, and natural killer lymphocyte deficiency; MONOCYTOPENIA AND MYCOBACTERIAL INFECTION SYNDROME; MONOCYTOPENIA WITH SUSCEPTIBILITY TO MYCOBACTERIAL, FUNGAL, AND PAPILLOMAVIRUS INFECTIONS AND MYELODYSPLASIA; COMBINED IMMUNODEFICIENCY WITH SUSCEPTIBILITY TO MYCOBACTERIAL, VIRAL, AND FUNGAL INFECTIONS; IMMUNODEFICIENCY 21; GATA2 DEFICIENCY. Identifiers: Orphanet 228423, MedGen C3280030, MONDO:0013607, OMIM 614172.
Inborn genetic diseases. Identifiers: MedGen C0950123, MeSH D030342.

Allele frequency attached by ClinVar (database versions not stated): TOPMed 0.00001.
gnomAD v4.1: 1 of 1,612,752 alleles (0.000062%); highest among the groups gnomAD compares: Non-Finnish European, 0.000085%; no homozygotes.

Submissions (2):

Ambry Genetics
Classification: Uncertain significance for Inborn genetic diseases. Last evaluated: 2025-12-09. Review status: criteria provided, single submitter. Criteria: Ambry Variant Classification Scheme 2023. Collection method: clinical testing. Allele origin: germline.
Comment: The p.P41S variant (also known as c.121C>T), located in coding exon 1 of the GATA2 gene, results from a C to T substitution at nucleotide position 121. The proline at codon 41 is replaced by serine, an amino acid with similar properties. This amino acid position is highly conserved in available vertebrate species. In addition, the in silico prediction for this alteration is inconclusive. Based on the available evidence, the clinical significance of this variant remains unclear.

Labcorp Genetics (formerly Invitae), Labcorp
Classification: Uncertain significance for Monocytopenia with susceptibility to infections; Deafness-lymphedema-leukemia syndrome. Last evaluated: 2022-07-18. Review status: criteria provided, single submitter. Criteria: Invitae Variant Classification Sherloc (09022015). Collection method: clinical testing. Allele origin: germline.
Comment: ClinVar contains an entry for this variant (Variation ID: 848742). In summary, the available evidence is currently insufficient to determine the role of this variant in disease. Therefore, it has been classified as a Variant of Uncertain Significance. Advanced modeling of protein sequence and biophysical properties (such as structural, functional, and spatial information, amino acid conservation, physicochemical variation, residue mobility, and thermodynamic stability) performed at Invitae indicates that this missense variant is not expected to disrupt GATA2 protein function. This variant has not been reported in the literature in individuals affected with GATA2-related conditions. This variant is not present in population databases (gnomAD no frequency). This sequence change replaces proline, which is neutral and non-polar, with serine, which is neutral and polar, at codon 41 of the GATA2 protein (p.Pro41Ser).

NM_032638.5(GATA2):c.121C>T (p.Pro41Ser)

Gene: GATA2 (GATA binding protein 2; minus strand). Cytogenetic location: 3q21.3.
Variant type: single nucleotide variant.
Coding change: c.121C>T on transcript NM_032638.5 (MANE Select); coding-DNA position 121, C replaced by T.
Protein change: p.Pro41Ser; replaces proline 41 with serine.
Molecular consequence: missense variant.
Genome position (GRCh38, 1-based): chr3:128,486,911, G>A on the plus strand (C>T on the coding strand, the complement: GATA2 is on the minus strand). VCF-style: chr3-128486911-G-A. GRCh37 (hg19) VCF-style: chr3-128205754-G-A.
Other names: c.121C>T, p.Pro41Ser (NM_001145661.2, NM_001145662.1); short protein forms P41S.
Identifiers: ClinVar variation 848742 (VCV000848742.10), dbSNP rs143590990, ClinGen allele CA354408800.